The following is an entry in ClinVar:

ClinVar aggregate classification (germline): Benign. Review status: criteria provided, multiple submitters, no conflicts (2 of 4 stars). 3 submissions from 3 submitters: Benign (3). Last evaluated 2019-04-16.

Conditions:
Weill-Marchesani 4 syndrome, recessive. Also called: Weill-Marchesani syndrome 4. Identifiers: Orphanet 363992, MedGen C2750787, MONDO:0013176, OMIM 613195.

Allele frequency attached by ClinVar (database versions not stated): 1000 Genomes Project 0.52336; 1000 Genomes Project 30x 0.52639; TOPMed 0.55199; gnomAD 0.57417 and 0.57473; gnomAD exomes 0.62335.
gnomAD v4.1: 417,742 of 682,650 alleles (61%); highest among the groups gnomAD compares: Non-Finnish European, 65%; 130,888 homozygotes.

Submissions (3):

GeneDx
Classification: Benign. Last evaluated: 2019-04-16. Review status: criteria provided, single submitter. Criteria: GeneDx Variant Classification Process June 2021. Collection method: clinical testing. Allele origin: germline. Affected: yes.

Illumina Laboratory Services, Illumina
Classification: Benign for Weill-Marchesani 4 syndrome, recessive. Last evaluated: 2018-01-12. Review status: criteria provided, single submitter. Criteria: ICSL Variant Classification Criteria 13 December 2019. Collection method: clinical testing. Allele origin: germline.
Comment: This variant was observed in the ICSL laboratory as part of a predisposition screen in an ostensibly healthy population. It had not been previously curated by ICSL or reported in the Human Gene Mutation Database (HGMD: prior to June 1st, 2018), and was therefore a candidate for classification through an automated scoring system. Utilizing variant allele frequency, disease prevalence and penetrance estimates, and inheritance mode, an automated score was calculated to assess if this variant is too frequent to cause the disease. Based on the score and internal cut-off values, a variant classified as benign is not then subjected to further curation. The score for this variant resulted in a classification of benign for this disease.

Breakthrough Genomics
Classification: Benign. Review status: criteria provided, single submitter. Criteria: ACMG Guidelines, 2015. Collection method: not provided. Allele origin: germline. Inheritance: Autosomal recessive inheritance. Affected: yes.

NM_139057.4(ADAMTS17):c.*189G>C

Gene: ADAMTS17 (ADAM metallopeptidase with thrombospondin type 1 motif 17; minus strand). Cytogenetic location: 15q26.3.
Variant type: single nucleotide variant.
Coding change: c.*189G>C on transcript NM_139057.4 (MANE Select); 189 bases downstream of the stop codon, G replaced by C.
Molecular consequence: 3 prime UTR variant.
Genome position (GRCh38, 1-based): chr15:99,974,213, C>G on the plus strand (G>C on the coding strand, the complement: ADAMTS17 is on the minus strand). VCF-style: chr15-99974213-C-G. GRCh37 (hg19) VCF-style: chr15-100514418-C-G.
Identifiers: ClinVar variation 315240 (VCV000315240.8), dbSNP rs2581343, ClinGen allele CA10636920.
Genomic context (GRCh38, chr15:99,974,213, plus strand): 5'-AATCCTAGAAATTGAAGTTACTTTGTGACTCATGCCTACTTTCTCCTCACTGTAGAAAGC[C>G]AGCCAGTGGCTGTTAACAATATATTAAGTACGGAAGCACTAATGGCAAACGCCAAGTCCA-3'